The following is an entry in ClinVar:

ClinVar aggregate classification (germline): Uncertain significance (1 of 4 stars; one submission).

Conditions:
Biotin-responsive basal ganglia disease (BTBGD). Also called: THIAMINE METABOLISM DYSFUNCTION SYNDROME 2 (BIOTIN- AND THIAMINE-RESPONSIVE TYPE); Thiamine metabolism dysfunction syndrome 2 (biotin- or thiamine-responsive encephalopathy type 2); thiamine-responsive encephalopathy; Thiamine metabolism dysfunction syndrome type 2; Thiamine Transporter-2 Deficiency. Identifiers: Orphanet 199348, Orphanet 65284, MedGen C1843807, MONDO:0011841, OMIM 607483.

gnomAD v4.1: 1 of 1,614,174 alleles (0.000062%); highest among the groups gnomAD compares: Non-Finnish European, 0.000085%; no homozygotes.

Submission:

Labcorp Genetics (formerly Invitae), Labcorp
Classification: Uncertain significance for Biotin-responsive basal ganglia disease. Last evaluated: 2022-03-01. Review status: criteria provided, single submitter. Criteria: Invitae Variant Classification Sherloc (09022015). Collection method: clinical testing. Allele origin: germline.
Comment: This sequence change replaces alanine, which is neutral and non-polar, with serine, which is neutral and polar, at codon 307 of the SLC19A3 protein (p.Ala307Ser). This variant is present in population databases (no rsID available, gnomAD 0.0009%). This variant has not been reported in the literature in individuals affected with SLC19A3-related conditions. Advanced modeling of protein sequence and biophysical properties (such as structural, functional, and spatial information, amino acid conservation, physicochemical variation, residue mobility, and thermodynamic stability) performed at Invitae indicates that this missense variant is not expected to disrupt SLC19A3 protein function. In summary, the available evidence is currently insufficient to determine the role of this variant in disease. Therefore, it has been classified as a Variant of Uncertain Significance.

NM_025243.4(SLC19A3):c.919G>T (p.Ala307Ser)

Gene: SLC19A3 (solute carrier family 19 member 3; minus strand). Cytogenetic location: 2q36.3.
Variant type: single nucleotide variant.
Coding change: c.919G>T on transcript NM_025243.4 (MANE Select); coding-DNA position 919, G replaced by T.
Protein change: p.Ala307Ser; replaces alanine 307 with serine.
Molecular consequence: missense variant.
Genome position (GRCh38, 1-based): chr2:227,698,796, C>A on the plus strand (G>T on the coding strand, the complement: SLC19A3 is on the minus strand). VCF-style: chr2-227698796-C-A. GRCh37 (hg19) VCF-style: chr2-228563512-C-A.
Other names: c.919G>T, p.Ala307Ser (NM_001371411.1, NM_001371412.1); c.907G>T, p.Ala303Ser (NM_001371413.1, NM_001371414.1); short protein forms A303S, A307S.
Identifiers: ClinVar variation 1948894 (VCV001948894.2), dbSNP rs377204541, ClinGen allele CA350876173.
Genomic context (GRCh38, chr2:227,698,796, plus strand): 5'-CTCCAAAGGTTGCAATAGCTTCTACGGCCCCATTATAGATGGAAGAATCTTGGGATGGCG[C>A]CTTGTAATCCCACAGGATTTGAACATAGTTCAAAACCTGGTTAAAACCTGCTGTGGCGAA-3'
Protein context (NP_079519.1, residues 297-317): NYVQILWDYK[Ala307Ser]PSQDSSIYNG